The following is an entry in ClinVar:

ClinVar aggregate classification (germline): Uncertain significance. Review status: criteria provided, multiple submitters, no conflicts (2 of 4 stars). 2 submissions from 2 submitters: Uncertain significance (2). Last evaluated 2025-10-21.

Conditions:
TTN-related disorder. Also called: TTN-related disorders; TTN-related condition; TTN-related disease.
Autosomal recessive limb-girdle muscular dystrophy type 2J (LGMDR10). Also called: Limb-girdle muscular dystrophy, type 2J; MUSCULAR DYSTROPHY, LIMB-GIRDLE, AUTOSOMAL RECESSIVE 10. Identifiers: Orphanet 140922, MedGen C1837342, MONDO:0012127, OMIM 608807.
Dilated cardiomyopathy 1G (CMD1G). Identifiers: Orphanet 154, MedGen C1858763, MONDO:0011400, OMIM 604145.

Allele frequency attached by ClinVar (database versions not stated): TOPMed below 0.00001; gnomAD 0.00001.
gnomAD v4.1: 5 of 1,613,292 alleles (0.00031%); highest among the groups gnomAD compares: Admixed American, 0.0083%; no homozygotes.

Submissions (2):

PreventionGenetics, part of Exact Sciences
Classification: Uncertain significance for TTN-related condition. Last evaluated: 2025-10-21. Review status: criteria provided, single submitter. Criteria: ACMG Guidelines, 2015. Collection method: clinical testing. Allele origin: germline.
Comment: The TTN c.77652A>T variant is predicted to result in the amino acid substitution p.Glu25884Asp. To our knowledge, this variant has not been reported in the literature. This variant is reported in 0.014% of alleles in individuals of Latino descent in gnomAD. At this time, the clinical significance of this variant is uncertain due to the absence of conclusive functional and genetic evidence.

Labcorp Genetics (formerly Invitae), Labcorp
Classification: Uncertain significance for Dilated cardiomyopathy 1G; Autosomal recessive limb-girdle muscular dystrophy type 2J. Last evaluated: 2016-09-20. Review status: criteria provided, single submitter. Criteria: Invitae Variant Classification Sherloc (09022015). Collection method: clinical testing. Allele origin: germline.

NM_001267550.2(TTN):c.77652A>T (p.Glu25884Asp)

Genes: TTN (titin; minus strand), TTN-AS1 (TTN antisense RNA 1; plus strand). Cytogenetic location: 2q31.2.
Variant type: single nucleotide variant.
Coding change: c.77652A>T on transcript NM_001267550.2 (MANE Select); coding-DNA position 77652, A replaced by T.
Protein change: p.Glu25884Asp; replaces glutamic acid 25884 with aspartic acid.
Molecular consequence: missense variant.
Genome position (GRCh38, 1-based): chr2:178,568,480, T>A on the plus strand (A>T on the coding strand, the complement: TTN is on the minus strand). VCF-style: chr2-178568480-T-A. GRCh37 (hg19) VCF-style: chr2-179433207-T-A.
Other names: c.72729A>T, p.Glu24243Asp (NM_001256850.1); c.50457A>T, p.Glu16819Asp (NM_003319.4); c.69948A>T, p.Glu23316Asp (NM_133378.4); c.50832A>T, p.Glu16944Asp (NM_133432.3); c.51033A>T, p.Glu17011Asp (NM_133437.4); short protein forms E25884D, E16819D, E16944D, E17011D, E23316D, E24243D.
Identifiers: ClinVar variation 404808 (VCV000404808.4), dbSNP rs748940985, ClinGen allele CA1989733.
Genomic context (GRCh38, chr2:178,568,480, plus strand): 5'-ACTGACGTCATCAAATTTAACAGGTCCTTTTGGAGGATCAGGTTTATCTAGAGTTACAAT[T>A]TCGATGGATGCTGTCTTCTGACCAACAACATTGGCAACTGTGATTCCATATTGTCCACCA-3'
Protein context (NP_001254479.2, residues 25874-25894): NVVGQKTASI[Glu25884Asp]IVTLDKPDPP